The following is an entry in ClinVar:

ClinVar aggregate classification (germline): Uncertain significance (1 of 4 stars; one submission).

Conditions:
Succinyl-CoA acetoacetate transferase deficiency (SCOTD). Also called: 3-Oxoacid CoA Transferase Deficiency; Succinyl CoA:3-oxoacid CoA transferase deficiency; SCOT DEFICIENCY; SUCCINYL-CoA:3-KETOACID CoA-TRANSFERASE DEFICIENCY; KETOACIDOSIS DUE TO SCOT DEFICIENCY. Identifiers: Orphanet 832, MedGen C0342792, MONDO:0009492, OMIM 245050.

Allele frequency attached by ClinVar (database versions not stated): gnomAD 0.00003; gnomAD exomes 0.00003; ExAC 0.00005; TOPMed 0.00005; ESP Exome Variant Server 0.00008.
gnomAD v4.1: 56 of 1,605,926 alleles (0.0035%); highest among the groups gnomAD compares: Non-Finnish European, 0.0036%; no homozygotes.

Submission:

Labcorp Genetics (formerly Invitae), Labcorp
Classification: Uncertain significance for Succinyl-CoA acetoacetate transferase deficiency. Last evaluated: 2022-08-19. Review status: criteria provided, single submitter. Criteria: Invitae Variant Classification Sherloc (09022015). Collection method: clinical testing. Allele origin: germline.
Comment: This sequence change falls in intron 7 of the OXCT1 gene. It does not directly change the encoded amino acid sequence of the OXCT1 protein. It affects a nucleotide within the consensus splice site. This variant is present in population databases (rs377701911, gnomAD 0.02%). This variant has not been reported in the literature in individuals affected with OXCT1-related conditions. Variants that disrupt the consensus splice site are a relatively common cause of aberrant splicing (PMID: 17576681, 9536098). Algorithms developed to predict the effect of sequence changes on RNA splicing suggest that this variant is not likely to affect RNA splicing. In summary, the available evidence is currently insufficient to determine the role of this variant in disease. Therefore, it has been classified as a Variant of Uncertain Significance.

Literature cited by the submitters: PubMed 17576681; PubMed 9536098.

NM_000436.4(OXCT1):c.732+6A>G

Gene: OXCT1 (3-oxoacid CoA-transferase 1; minus strand). Cytogenetic location: 5p13.1.
Variant type: single nucleotide variant.
Coding change: c.732+6A>G on transcript NM_000436.4 (MANE Select); 6 bases into the intron after coding-DNA position 732, A replaced by G.
Molecular consequence: intron variant.
Genome position (GRCh38, 1-based): chr5:41,840,445, T>C on the plus strand (A>G on the coding strand, the complement: OXCT1 is on the minus strand). VCF-style: chr5-41840445-T-C. GRCh37 (hg19) VCF-style: chr5-41840547-T-C.
Other names: c.726+12A>G (NM_001364301.2); c.732+6A>G (NM_001364302.2); c.753+6A>G (NM_001364299.2, NM_001364300.2); c.174+6A>G (NM_001364303.2).
Identifiers: ClinVar variation 2071771 (VCV002071771.1), dbSNP rs377701911, ClinGen allele CA3253509.
Genomic context (GRCh38, chr5:41,840,445, plus strand): 5'-TTCTTGAATTAATACTTAACATCAAGTTAAATAATTAACACCAAGAATTCAAAAATAACC[T>C]CTTACCTCTACCACTGTGGTTTCTGCAGCTTTGCACATTGGCAAGTTGAAATTCCTTGCA-3'